The following is an entry in ClinVar:

NM_004006.3(DMD):c.9564-2A>G

Gene: DMD (dystrophin; minus strand). Cytogenetic location: Xp21.2.
Variant type: single nucleotide variant.
Coding change: c.9564-2A>G on transcript NM_004006.3 (MANE Select); the canonical splice acceptor site of the intron before coding-DNA position 9564, A replaced by G.
Molecular consequence: splice acceptor variant.
Genome position (GRCh38, 1-based): chrX:31,206,669, T>C on the plus strand (A>G on the coding strand, the complement: DMD is on the minus strand). VCF-style: chrX-31206669-T-C. GRCh37 (hg19) VCF-style: chrX-31224786-T-C.
Other names: c.9540-2A>G (NM_000109.4); c.5541-2A>G (NM_004011.4); c.5532-2A>G (NM_004012.4); c.2184-2A>G (NM_004023.3, NM_004020.4, NM_004022.3 and 2 more transcripts); c.1377-2A>G (NM_004014.3); c.360-2A>G (NM_004018.3, NM_004017.3, NM_004016.3 and 2 more transcripts); c.9552-2A>G (NM_004009.3); c.9195-2A>G (NM_004010.3).
Identifiers: ClinVar variation 803801 (VCV000803801.3), dbSNP rs1602696519, ClinGen allele CA412649644.

ClinVar aggregate classification (germline): Pathogenic/Likely pathogenic. Review status: criteria provided, multiple submitters, no conflicts (2 of 4 stars). 2 submissions from 2 submitters: Pathogenic (1); Likely pathogenic (1). Last evaluated 2024-11-18.

Conditions:
Duchenne muscular dystrophy (DMD). Also called: Duchenne Muscular Dystrophy (DMD); MUSCULAR DYSTROPHY, PSEUDOHYPERTROPHIC PROGRESSIVE, DUCHENNE TYPE. Identifiers: Orphanet 98896, MedGen C0013264, MONDO:0010679, OMIM 310200.

Submissions (2):

Labcorp Genetics (formerly Invitae), Labcorp
Classification: Likely pathogenic for Duchenne muscular dystrophy. Last evaluated: 2024-11-18. Review status: criteria provided, single submitter. Criteria: Invitae Variant Classification Sherloc (09022015). Collection method: clinical testing. Allele origin: germline.
Comment: This sequence change affects an acceptor splice site in intron 65 of the DMD gene. It is expected to disrupt RNA splicing. Variants that disrupt the donor or acceptor splice site typically lead to a loss of protein function (PMID: 16199547), and loss-of-function variants in DMD are known to be pathogenic (PMID: 16770791, 25007885). This variant is not present in population databases (gnomAD no frequency). Disruption of this splice site has been observed in individual(s) with Duchenne muscular dystrophy (PMID: 15351422). ClinVar contains an entry for this variant (Variation ID: 803801). Algorithms developed to predict the effect of sequence changes on RNA splicing suggest that this variant may disrupt the consensus splice site. In summary, the currently available evidence indicates that the variant is pathogenic, but additional data are needed to prove that conclusively. Therefore, this variant has been classified as Likely Pathogenic.

Mendelics
Classification: Pathogenic for Duchenne muscular dystrophy. Last evaluated: 2019-05-28. Review status: criteria provided, single submitter. Criteria: Mendelics Assertion Criteria 2017. Collection method: clinical testing. Allele origin: unknown.

Literature cited by the submitters: PubMed 16199547 (cited by Labcorp Genetics (formerly Invitae), Labcorp); PubMed 16770791 (cited by Labcorp Genetics (formerly Invitae), Labcorp); PubMed 25007885 (cited by Labcorp Genetics (formerly Invitae), Labcorp); PubMed 15351422 (cited by Labcorp Genetics (formerly Invitae), Labcorp).